The following is an entry in ClinVar:

ClinVar aggregate classification (germline): Uncertain significance. Review status: criteria provided, multiple submitters, no conflicts (2 of 4 stars). 2 submissions from 2 submitters: Uncertain significance (2). Last evaluated 2025-10-30.

Submissions (2):

Ambry Genetics
Classification: Uncertain significance. Last evaluated: 2025-10-30. Review status: criteria provided, single submitter. Criteria: Ambry Variant Classification Scheme 2023. Collection method: clinical testing. Allele origin: germline.

Labcorp Genetics (formerly Invitae), Labcorp
Classification: Uncertain significance. Last evaluated: 2024-11-16. Review status: criteria provided, single submitter. Criteria: Invitae Variant Classification Sherloc (09022015). Collection method: clinical testing. Allele origin: germline.
Comment: This sequence change replaces glutamic acid, which is acidic and polar, with lysine, which is basic and polar, at codon 280 of the ZCCHC8 protein (p.Glu280Lys). This variant is present in population databases (rs768861686, gnomAD 0.006%). This variant has not been reported in the literature in individuals affected with ZCCHC8-related conditions. Invitae Evidence Modeling of protein sequence and biophysical properties (such as structural, functional, and spatial information, amino acid conservation, physicochemical variation, residue mobility, and thermodynamic stability) indicates that this missense variant is expected to disrupt ZCCHC8 protein function with a positive predictive value of 80%. In summary, the available evidence is currently insufficient to determine the role of this variant in disease. Therefore, it has been classified as a Variant of Uncertain Significance.

NM_017612.5(ZCCHC8):c.838G>A (p.Glu280Lys)

Gene: ZCCHC8 (zinc finger CCHC-type containing 8; minus strand). Cytogenetic location: 12q24.31.
Variant type: single nucleotide variant.
Coding change: c.838G>A on transcript NM_017612.5 (MANE Select); coding-DNA position 838, G replaced by A.
Protein change: p.Glu280Lys; replaces glutamic acid 280 with lysine.
Molecular consequence: missense variant.
Genome position (GRCh38, 1-based): chr12:122,481,982, C>T on the plus strand (G>A on the coding strand, the complement: ZCCHC8 is on the minus strand). VCF-style: chr12-122481982-C-T. GRCh37 (hg19) VCF-style: chr12-122966529-C-T.
Other names: c.838G>A (NM_017612.3); c.607G>A, p.Glu203Lys (NM_001350935.2); c.541G>A, p.Glu181Lys (NM_001350936.2); c.124G>A, p.Glu42Lys (NM_001350937.2, NM_001350938.2); short protein forms E280K, E181K, E42K, E203K.
Identifiers: ClinVar variation 3718228 (VCV003718228.3).